The following is an entry in ClinVar:

ClinVar aggregate classification (germline): Uncertain significance (0 of 4 stars; one submission).

Conditions:
ANK1-related disorder. Also called: ANK1-related condition.

Submission:

PreventionGenetics, part of Exact Sciences
Classification: Uncertain significance for ANK1-related condition. Last evaluated: 2024-09-19. Review status: no assertion criteria provided. Collection method: clinical testing. Allele origin: germline.
Comment: The ANK1 c.3781A>G variant is predicted to result in the amino acid substitution p.Met1261Val. To our knowledge, this variant has not been reported in the literature or in a large population database, indicating this variant is rare. At this time, the clinical significance of this variant is uncertain due to the absence of conclusive functional and genetic evidence.

NM_000037.4(ANK1):c.3781A>G (p.Met1261Val)

Gene: ANK1 (ankyrin 1; minus strand). Cytogenetic location: 8p11.21.
Variant type: single nucleotide variant.
Coding change: c.3781A>G on transcript NM_000037.4 (MANE Select); coding-DNA position 3781, A replaced by G.
Protein change: p.Met1261Val; replaces methionine 1261 with valine.
Molecular consequence: missense variant.
Genome position (GRCh38, 1-based): chr8:41,692,725, T>C on the plus strand (A>G on the coding strand, the complement: ANK1 is on the minus strand). VCF-style: chr8-41692725-T-C. GRCh37 (hg19) VCF-style: chr8-41550243-T-C.
Other names: c.3904A>G, p.Met1302Val (NM_001142446.2); c.3781A>G, p.Met1261Val (NM_020475.3, NM_020476.3, NM_020477.3); short protein forms M1261V, M1302V.
Identifiers: ClinVar variation 3344213 (VCV003344213.1).